The following is an entry in ClinVar:

ClinVar aggregate classification (germline): Uncertain significance (1 of 4 stars; one submission).

Conditions:
Methylmalonic acidemia with homocystinuria, type cblJ (MAHCJ). Also called: METHYLMALONIC ACIDURIA AND HOMOCYSTINURIA, cblJ TYPE. Identifiers: Orphanet 369955, MedGen C3553915, MONDO:0013925, OMIM 614857.

Allele frequency attached by ClinVar (database versions not stated): gnomAD exomes 0.00001; TOPMed 0.00002; ExAC 0.00003; ESP Exome Variant Server 0.00008; gnomAD 0.00001.
gnomAD v4.1: 16 of 1,613,862 alleles (0.00099%); highest among the groups gnomAD compares: Non-Finnish European, 0.0014%; no homozygotes.

Submission:

Labcorp Genetics (formerly Invitae), Labcorp
Classification: Uncertain significance for Methylmalonic acidemia with homocystinuria, type cblJ. Last evaluated: 2018-03-19. Review status: criteria provided, single submitter. Criteria: Invitae Variant Classification Sherloc (09022015). Collection method: clinical testing. Allele origin: germline.
Comment: In summary, the available evidence is currently insufficient to determine the role of this variant in disease. Therefore, it has been classified as a Variant of Uncertain Significance. Algorithms developed to predict the effect of missense changes on protein structure and function output the following: SIFT: "Tolerated"; PolyPhen-2: "Benign"; Align-GVGD: "Class C0". The tyrosine amino acid residue is found in multiple mammalian species, suggesting that this missense change does not adversely affect protein function. These predictions have not been confirmed by published functional studies and their clinical significance is uncertain. This variant has not been reported in the literature in individuals with ABCD4-related disease. This variant is present in population databases (rs371774856, ExAC 0.006%). This sequence change replaces histidine with tyrosine at codon 118 of the ABCD4 protein (p.His118Tyr). The histidine residue is moderately conserved and there is a moderate physicochemical difference between histidine and tyrosine.

NM_005050.4(ABCD4):c.352C>T (p.His118Tyr)

Gene: ABCD4 (ATP binding cassette subfamily D member 4; minus strand). Cytogenetic location: 14q24.3.
Variant type: single nucleotide variant.
Coding change: c.352C>T on transcript NM_005050.4 (MANE Select); coding-DNA position 352, C replaced by T.
Protein change: p.His118Tyr; replaces histidine 118 with tyrosine.
Molecular consequence: missense variant. On other transcripts: 5 prime UTR variant (12), non-coding transcript variant (9), intron variant (5).
Genome position (GRCh38, 1-based): chr14:74,298,003, G>A on the plus strand (C>T on the coding strand, the complement: ABCD4 is on the minus strand). VCF-style: chr14-74298003-G-A. GRCh37 (hg19) VCF-style: chr14-74764706-G-A.
Other names: c.352C>T, p.His118Tyr (NM_001353591.2, NM_001353592.2, NM_020325.3); c.91C>T, p.His31Tyr (NM_001353593.2, NM_001353594.2); c.-58C>T (NM_001353595.2, NM_001353596.2, NM_001353597.2); c.-126C>T (NM_001353598.2, NM_001353600.2); c.-338C>T (NM_001353602.2); c.-343C>T (NM_001353603.2, NM_001353605.2, NM_001353606.2 and 3 more transcripts); c.-269-1554C>T (NM_001353604.2); c.-52-1554C>T (NM_001353601.2); and 2 more; short protein forms H118Y, H31Y.
Identifiers: ClinVar variation 569782 (VCV000569782.8), dbSNP rs371774856, ClinGen allele CA7267253.
Genomic context (GRCh38, chr14:74,298,003, plus strand): 5'-CATCCCGCAGCACGTTGAGGGTGTAGTACGCACGGCCCCGGAAGTAGAGGCGGTGAAGGT[G>A]CTCAGTGAGGTCCTTCCTCCAGCTCACATACAGCAGGTTGCAGGTGAACTGATCAAAGCT-3'
Protein context (NP_005041.1, residues 108-128): YVSWRKDLTE[His118Tyr]LHRLYFRGRA